The following is an entry in ClinVar:

ClinVar aggregate classification (germline): Uncertain significance. Review status: criteria provided, multiple submitters, no conflicts (2 of 4 stars). 3 submissions from 3 submitters: Uncertain significance (3). Last evaluated 2025-11-17.

Conditions:
Microcephaly, normal intelligence and immunodeficiency (NBS). Also called: BERLIN BREAKAGE SYNDROME; Ataxia telangiectasia variant V1; IMMUNODEFICIENCY, MICROCEPHALY, AND CHROMOSOMAL INSTABILITY; SEEMANOVA SYNDROME II; Immunodeficiency, microcephaly with normal intelligence; Nijmegen breakage syndrome. Identifiers: Orphanet 647, MedGen C0398791, MONDO:0009623, OMIM 251260.
Hereditary cancer-predisposing syndrome. Also called: Tumor predisposition; Neoplastic Syndromes, Hereditary; Hereditary Cancer Syndrome; Hereditary neoplastic syndrome. Identifiers: Orphanet 140162, MedGen C0027672, MeSH D009386, MONDO:0015356.

Allele frequency attached by ClinVar (database versions not stated): gnomAD exomes below 0.00001; ExAC 0.00001; gnomAD 0.00001.
gnomAD v4.1: 4 of 1,612,728 alleles (0.00025%); highest among the groups gnomAD compares: Non-Finnish European, 0.00034%; no homozygotes.

Submissions (3):

Labcorp Genetics (formerly Invitae), Labcorp
Classification: Uncertain significance for Microcephaly, normal intelligence and immunodeficiency. Last evaluated: 2025-11-17. Review status: criteria provided, single submitter. Criteria: Invitae Variant Classification Sherloc (09022015). Collection method: clinical testing. Allele origin: germline.
Comment: This sequence change replaces leucine, which is neutral and non-polar, with proline, which is neutral and non-polar, at codon 57 of the NBN protein (p.Leu57Pro). This variant is present in population databases (rs747920256, gnomAD 0.0009%). This variant has not been reported in the literature in individuals affected with NBN-related conditions. ClinVar contains an entry for this variant (Variation ID: 492100). An algorithm developed to predict the effect of missense changes on protein structure and function outputs the following: PolyPhen-2: "Benign". The proline amino acid residue is found in multiple mammalian species, which suggests that this missense change does not adversely affect protein function. In summary, the available evidence is currently insufficient to determine the role of this variant in disease. Therefore, it has been classified as a Variant of Uncertain Significance.

Ambry Genetics
Classification: Uncertain significance for Hereditary cancer-predisposing syndrome. Last evaluated: 2021-12-08. Review status: criteria provided, single submitter. Criteria: Ambry Variant Classification Scheme 2023. Collection method: clinical testing. Allele origin: germline.
Comment: The p.L57P variant (also known as c.170T>C), located in coding exon 2 of the NBN gene, results from a T to C substitution at nucleotide position 170. The leucine at codon 57 is replaced by proline, an amino acid with similar properties. This amino acid position is well conserved in available vertebrate species. In addition, this alteration is predicted to be tolerated by in silico analysis. Since supporting evidence is limited at this time, the clinical significance of this alteration remains unclear.

Genome-Nilou Lab
Classification: Uncertain significance for Microcephaly, normal intelligence and immunodeficiency. Last evaluated: 2021-11-07. Review status: criteria provided, single submitter. Criteria: ACMG Guidelines, 2015. Collection method: clinical testing. Allele origin: germline. Affected: no.

NM_002485.5(NBN):c.170T>C (p.Leu57Pro)

Gene: NBN (nibrin; minus strand). Cytogenetic location: 8q21.3.
Variant type: single nucleotide variant.
Coding change: c.170T>C on transcript NM_002485.5 (MANE Select); coding-DNA position 170, T replaced by C.
Protein change: p.Leu57Pro; replaces leucine 57 with proline.
Molecular consequence: missense variant. On other transcripts: 5 prime UTR variant (1).
Genome position (GRCh38, 1-based): chr8:89,982,723, A>G on the plus strand (T>C on the coding strand, the complement: NBN is on the minus strand). VCF-style: chr8-89982723-A-G. GRCh37 (hg19) VCF-style: chr8-90994951-A-G.
Other names: c.-127T>C (NM_001024688.3); short protein forms L57P.
Identifiers: ClinVar variation 492100 (VCV000492100.20), dbSNP rs747920256, ClinGen allele CA4803045.